The following is an entry in ClinVar:

NM_021005.4(NR2F2):c.269A>G (p.His90Arg)

Gene: NR2F2 (nuclear receptor subfamily 2 group F member 2; plus strand). Cytogenetic location: 15q26.2.
Variant type: single nucleotide variant.
Coding change: c.269A>G on transcript NM_021005.4 (MANE Select); coding-DNA position 269, A replaced by G.
Protein change: p.His90Arg; replaces histidine 90 with arginine.
Molecular consequence: missense variant. On other transcripts: intron variant (1).
Genome position (GRCh38, 1-based): chr15:96,332,374, A>G. VCF-style: chr15-96332374-A-G. GRCh37 (hg19) VCF-style: chr15-96875603-A-G.
Other names: c.44-1702A>G (NM_001145155.2); short protein forms H90R.
Identifiers: ClinVar variation 1064859 (VCV001064859.9), dbSNP rs2141166925, ClinGen allele CA393929975.

ClinVar aggregate classification (germline): Uncertain significance. Review status: criteria provided, multiple submitters, no conflicts (2 of 4 stars). 2 submissions from 2 submitters: Uncertain significance (2). Last evaluated 2022-08-15.

Conditions:
Congenital heart defects, multiple types, 4 (CHTD4). Identifiers: MedGen C4014310, MONDO:0014344, OMIM 615779.
Neurodevelopmental disorder. Identifiers: MedGen C1535926, MeSH D065886, MONDO:0700092.

Submissions (2):

Labcorp Genetics (formerly Invitae), Labcorp
Classification: Uncertain significance for Congenital heart defects, multiple types, 4. Last evaluated: 2022-08-15. Review status: criteria provided, single submitter. Criteria: Invitae Variant Classification Sherloc (09022015). Collection method: clinical testing. Allele origin: germline.
Comment: In summary, the available evidence is currently insufficient to determine the role of this variant in disease. Therefore, it has been classified as a Variant of Uncertain Significance. Advanced modeling of protein sequence and biophysical properties (such as structural, functional, and spatial information, amino acid conservation, physicochemical variation, residue mobility, and thermodynamic stability) performed at Invitae indicates that this missense variant is expected to disrupt NR2F2 protein function. ClinVar contains an entry for this variant (Variation ID: 1064859). This variant has not been reported in the literature in individuals affected with NR2F2-related conditions. This variant is not present in population databases (gnomAD no frequency). This sequence change replaces histidine, which is basic and polar, with arginine, which is basic and polar, at codon 90 of the NR2F2 protein (p.His90Arg).

Laboratory of Molecular Genetics (Pr. Bezieau's lab), CHU de Nantes
Classification: Uncertain significance for Neurodevelopmental disorder. Last evaluated: 2020-10-01. Review status: criteria provided, single submitter. Criteria: ACMG Guidelines, 2015. Collection method: clinical testing. Allele origin: germline. Affected: yes.